The following is an entry in ClinVar:

NM_001394062.1(MACF1):c.16316+560A>G

Gene: MACF1 (microtubule actin crosslinking factor 1; plus strand). Cytogenetic location: 1p34.3.
Variant type: single nucleotide variant.
Coding change: c.16316+560A>G on transcript NM_001394062.1 (MANE Select); 560 bases into the intron after coding-DNA position 16316, A replaced by G.
Molecular consequence: intron variant.
Genome position (GRCh38, 1-based): chr1:39,424,754, A>G. VCF-style: chr1-39424754-A-G. GRCh37 (hg19) VCF-style: chr1-39890426-A-G.
Other names: c.10130+560A>G (NM_012090.5); c.4712+560A>G (NM_001397473.1).
Identifiers: ClinVar variation 4855038 (VCV004855038.1).

ClinVar aggregate classification (germline): Uncertain significance (1 of 4 stars; one submission).

Conditions:
Lissencephaly 9 with complex brainstem malformation. Identifiers: Orphanet 572013, MedGen C5193029, MONDO:0032677, OMIM 618325.

Submission:

3billion
Classification: Uncertain significance for Lissencephaly 9 with complex brainstem malformation. Last evaluated: 2025-12-01. Review status: criteria provided, single submitter. Criteria: ACMG Guidelines, 2015. Collection method: clinical testing. Allele origin: germline. Affected: yes.
Comment: The variant is not observed in the gnomAD v4.1.0 dataset. Predicted Consequence/Location: Intron variant In silico tools predict the variant to alter splicing and produce an abnormal transcript [SpliceAI: 0.52 (>=0.2, moderate evidence for spliceogenicity)]. Therefore, this variant is classified as VUS according to the recommendation of ACMG/AMP guideline.